The following is an entry in ClinVar:

ClinVar aggregate classification (germline): Likely pathogenic. Review status: criteria provided, multiple submitters, no conflicts (2 of 4 stars). 2 submissions from 2 submitters: Likely pathogenic (2). Last evaluated 2024-11-04.

Conditions:
CDH23-related disorder. Also called: CDH23-related condition; CDH23-related disorders.
Usher syndrome type 1 (USH1). Also called: RETINITIS PIGMENTOSA AND CONGENITAL DEAFNESS. Identifiers: Orphanet 231169, Orphanet 886, MedGen C1568247, MONDO:0010168, OMIM 276900.

Submissions (2):

Natera, Inc.
Classification: Likely pathogenic for Usher syndrome type 1. Last evaluated: 2024-11-04. Review status: criteria provided, single submitter. Criteria: Natera Variant Classification Schema (03/2026). Collection method: clinical testing. Allele origin: germline.
Comment: The c.336+1G>T variant in CDH23 is a canonical splice donor site variant predicted to affect pre-mRNA splicing, which may result in an abnormal transcript and altered protein product. This variant may result in a truncated or dysfunctional protein product. This variant is rare in the general population with a frequency below the threshold expected for the associated phenotype(s). Another variant at this same site results in an alteration predicted to cause a similar molecular effect has been observed in individual(s) with the associated phenotype. Given the available evidence, this variant is classified as Likely Pathogenic.

Blueprint Genetics
Classification: Likely pathogenic for CDH23-related disorders. Last evaluated: 2019-07-19. Review status: criteria provided, single submitter. Criteria: ACMG Guidelines, 2015. Collection method: clinical testing. Allele origin: germline. Affected: yes. Observed: 2 variant alleles.

NM_022124.6(CDH23):c.336+1G>T

Genes: CDH23 (cadherin related 23; plus strand), CDH23-AS1 (CDH23 antisense RNA 1; minus strand). Cytogenetic location: 10q22.1.
Variant type: single nucleotide variant.
Coding change: c.336+1G>T on transcript NM_022124.6 (MANE Select); the canonical splice donor site of the intron after coding-DNA position 336, G replaced by T.
Molecular consequence: splice donor variant.
Genome position (GRCh38, 1-based): chr10:71,511,002, G>T. VCF-style: chr10-71511002-G-T. GRCh37 (hg19) VCF-style: chr10-73270759-G-T.
Other names: c.336+1G>T (NM_001171930.2, NM_001171931.2, NM_052836.4 and 1 more transcripts).
Identifiers: ClinVar variation 867202 (VCV000867202.3), dbSNP rs764824311, ClinGen allele CA377115796.